The following is an entry in ClinVar:

ClinVar aggregate classification (germline): Uncertain significance (1 of 4 stars; one submission).

Conditions:
Peroxisome biogenesis disorder 5A (Zellweger) (PBD5A). Identifiers: Orphanet 912, MedGen C3553940, MONDO:0013932, OMIM 614866.

Allele frequency attached by ClinVar (database versions not stated): gnomAD exomes below 0.00001; ExAC 0.00001.
gnomAD v4.1: 3 of 1,614,060 alleles (0.00019%); highest among the groups gnomAD compares: Non-Finnish European, 0.00017%; no homozygotes.

Submission:

Labcorp Genetics (formerly Invitae), Labcorp
Classification: Uncertain significance for Peroxisome biogenesis disorder 5A (Zellweger). Last evaluated: 2022-01-05. Review status: criteria provided, single submitter. Criteria: Invitae Variant Classification Sherloc (09022015). Collection method: clinical testing. Allele origin: germline.
Comment: In summary, the available evidence is currently insufficient to determine the role of this variant in disease. Therefore, it has been classified as a Variant of Uncertain Significance. Algorithms developed to predict the effect of missense changes on protein structure and function are either unavailable or do not agree on the potential impact of this missense change (SIFT: "Tolerated"; PolyPhen-2: "Probably Damaging"; Align-GVGD: "Class C0"). This variant has not been reported in the literature in individuals affected with PEX2-related conditions. This variant is present in population databases (rs764017022, gnomAD 0.0009%). This sequence change replaces serine, which is neutral and polar, with threonine, which is neutral and polar, at codon 270 of the PEX2 protein (p.Ser270Thr).

NM_000318.3(PEX2):c.809G>C (p.Ser270Thr)

Gene: PEX2 (peroxisomal biogenesis factor 2; minus strand). Cytogenetic location: 8q21.13.
Variant type: single nucleotide variant.
Coding change: c.809G>C on transcript NM_000318.3 (MANE Select); coding-DNA position 809, G replaced by C.
Protein change: p.Ser270Thr; replaces serine 270 with threonine.
Molecular consequence: missense variant.
Genome position (GRCh38, 1-based): chr8:76,983,370, C>G on the plus strand (G>C on the coding strand, the complement: PEX2 is on the minus strand). VCF-style: chr8-76983370-C-G. GRCh37 (hg19) VCF-style: chr8-77895606-C-G.
Other names: c.809G>C, p.Ser270Thr (NM_001079867.2, NM_001172086.2, NM_001172087.2); short protein forms S270T.
Identifiers: ClinVar variation 1965300 (VCV001965300.5), dbSNP rs764017022, ClinGen allele CA4788650.